The following is an entry in ClinVar:

NM_020937.4(FANCM):c.3434A>G (p.Asp1145Gly)

Gene: FANCM (FA complementation group M; plus strand). Cytogenetic location: 14q21.2.
Variant type: single nucleotide variant.
Coding change: c.3434A>G on transcript NM_020937.4 (MANE Select); coding-DNA position 3434, A replaced by G.
Protein change: p.Asp1145Gly; replaces aspartic acid 1145 with glycine.
Molecular consequence: missense variant.
Genome position (GRCh38, 1-based): chr14:45,176,188, A>G. VCF-style: chr14-45176188-A-G. GRCh37 (hg19) VCF-style: chr14-45645391-A-G.
Other names: c.3356A>G, p.Asp1119Gly (NM_001308133.2); short protein forms D1119G, D1145G.
Identifiers: ClinVar variation 4797108 (VCV004797108.1).
Genomic context (GRCh38, chr14:45,176,188, plus strand): 5'-TATTGTCCACTGATCAAGATGAAAGTTTGCTGTTATTTGAAGATGTTAATACAGAGTTCG[A>G]CGATGTGAGTCTTTCACCCTTGAACAGTAAAAGCGAATCTTTACCTGTGTCAGACAAAAC-3'
Protein context (NP_065988.1, residues 1135-1155): LLFEDVNTEF[Asp1145Gly]DVSLSPLNSK

ClinVar aggregate classification (germline): Uncertain significance (1 of 4 stars; one submission).

Conditions:
Fanconi anemia (FA). Also called: Fanconi's anemia. Identifiers: Orphanet 84, MedGen C0015625, MeSH D005199, MONDO:0019391.

Submission:

Labcorp Genetics (formerly Invitae), Labcorp
Classification: Uncertain significance for Fanconi anemia. Last evaluated: 2025-09-20. Review status: criteria provided, single submitter. Criteria: Invitae Variant Classification Sherloc (09022015). Collection method: clinical testing. Allele origin: germline.
Comment: This sequence change replaces aspartic acid, which is acidic and polar, with glycine, which is neutral and non-polar, at codon 1145 of the FANCM protein (p.Asp1145Gly). This variant is not present in population databases (gnomAD no frequency). This variant has not been reported in the literature in individuals affected with FANCM-related conditions. An algorithm developed to predict the effect of missense changes on protein structure and function (PolyPhen-2) suggests that this variant is likely to be tolerated. In summary, the available evidence is currently insufficient to determine the role of this variant in disease. Therefore, it has been classified as a Variant of Uncertain Significance.